The following is an entry in ClinVar:

NM_003743.5(NCOA1):c.65C>T (p.Ser22Leu)

Gene: NCOA1 (nuclear receptor coactivator 1; plus strand). Cytogenetic location: 2p23.3.
Variant type: single nucleotide variant.
Coding change: c.65C>T on transcript NM_003743.5 (MANE Select); coding-DNA position 65, C replaced by T.
Protein change: p.Ser22Leu; replaces serine 22 with leucine.
Molecular consequence: missense variant.
Genome position (GRCh38, 1-based): chr2:24,658,742, C>T. VCF-style: chr2-24658742-C-T. GRCh37 (hg19) VCF-style: chr2-24881611-C-T.
Other names: c.65C>T, p.Ser22Leu (NM_001362950.1, NM_001362952.1, NM_001362954.1 and 3 more transcripts); short protein forms S22L.
Identifiers: ClinVar variation 5001004 (VCV005001004.1).

ClinVar aggregate classification (germline): Uncertain significance (1 of 4 stars; one submission).

Conditions:
NCOA1-related disorder. Also called: NCOA1-related condition.

Submission:

PreventionGenetics, part of Exact Sciences
Classification: Uncertain significance for NCOA1-related condition. Last evaluated: 2026-04-27. Review status: criteria provided, single submitter. Criteria: ACMG Guidelines, 2015. Collection method: clinical testing. Allele origin: germline.
Comment: The NCOA1 c.65C>T variant is predicted to result in the amino acid substitution p.Ser22Leu. To our knowledge, this variant has not been reported in the literature or in a large population database (gnomAD), indicating this variant is rare. At this time, the clinical significance of this variant is uncertain due to the absence of conclusive functional and genetic evidence.